The following is an entry in ClinVar:

NM_004530.6(MMP2):c.458A>G (p.Asp153Gly)

Gene: MMP2 (matrix metallopeptidase 2; plus strand). Cytogenetic location: 16q12.2.
Variant type: single nucleotide variant.
Coding change: c.458A>G on transcript NM_004530.6 (MANE Select); coding-DNA position 458, A replaced by G.
Protein change: p.Asp153Gly; replaces aspartic acid 153 with glycine.
Molecular consequence: missense variant.
Genome position (GRCh38, 1-based): chr16:55,484,093, A>G. VCF-style: chr16-55484093-A-G. GRCh37 (hg19) VCF-style: chr16-55518005-A-G.
Other names: c.308A>G, p.Asp103Gly (NM_001127891.3); c.230A>G, p.Asp77Gly (NM_001302508.1, NM_001302509.2, NM_001302510.2); short protein forms D103G, D153G, D77G.
Identifiers: ClinVar variation 2014632 (VCV002014632.4), dbSNP rs1596808880, ClinGen allele CA395932007.

ClinVar aggregate classification (germline): Uncertain significance (1 of 4 stars; one submission).

Allele frequency attached by ClinVar (database versions not stated): gnomAD exomes below 0.00001.
gnomAD v4.1: 1 of 1,614,164 alleles (0.000062%); highest among the groups gnomAD compares: South Asian, 0.0011%; no homozygotes.

Submission:

Labcorp Genetics (formerly Invitae), Labcorp
Classification: Uncertain significance. Last evaluated: 2022-07-06. Review status: criteria provided, single submitter. Criteria: Invitae Variant Classification Sherloc (09022015). Collection method: clinical testing. Allele origin: germline.
Comment: This sequence change replaces aspartic acid, which is acidic and polar, with glycine, which is neutral and non-polar, at codon 153 of the MMP2 protein (p.Asp153Gly). This variant is not present in population databases (gnomAD no frequency). This variant has not been reported in the literature in individuals affected with MMP2-related conditions. Algorithms developed to predict the effect of missense changes on protein structure and function (SIFT, PolyPhen-2, Align-GVGD) all suggest that this variant is likely to be tolerated. In summary, the available evidence is currently insufficient to determine the role of this variant in disease. Therefore, it has been classified as a Variant of Uncertain Significance.